The following is an entry in ClinVar:

NM_001010892.3(RSPH4A):c.1933T>C (p.Tyr645His)

Gene: RSPH4A (radial spoke head component 4A; plus strand). Cytogenetic location: 6q22.1.
Variant type: single nucleotide variant.
Coding change: c.1933T>C on transcript NM_001010892.3 (MANE Select); coding-DNA position 1933, T replaced by C.
Protein change: p.Tyr645His; replaces tyrosine 645 with histidine.
Molecular consequence: missense variant. On other transcripts: synonymous variant (1).
Genome position (GRCh38, 1-based): chr6:116,632,223, T>C. VCF-style: chr6-116632223-T-C. GRCh37 (hg19) VCF-style: chr6-116953386-T-C.
Other names: c.1797T>C, p.Ser599= (NM_001161664.2); short protein forms Y645H.
Identifiers: ClinVar variation 1782925 (VCV001782925.3), dbSNP rs1323008510, ClinGen allele CA365412535.

ClinVar aggregate classification (germline): Uncertain significance (1 of 4 stars; one submission).

Conditions:
Primary ciliary dyskinesia. Also called: Ciliary dyskinesia. Identifiers: Orphanet 244, MedGen C0008780, MONDO:0016575, HP:0012265.

gnomAD v4.1: 4 of 1,610,664 alleles (0.00025%); highest among the groups gnomAD compares: South Asian, 0.0022%; no homozygotes.

Submission:

Ambry Genetics
Classification: Uncertain significance for Primary ciliary dyskinesia. Last evaluated: 2022-10-23. Review status: criteria provided, single submitter. Criteria: Ambry Variant Classification Scheme 2023. Collection method: clinical testing. Allele origin: germline.
Comment: The p.Y645H variant (also known as c.1933T>C), located in coding exon 6 of the RSPH4A gene, results from a T to C substitution at nucleotide position 1933. The tyrosine at codon 645 is replaced by histidine, an amino acid with similar properties. This amino acid position is conserved. In addition, this alteration is predicted to be deleterious by in silico analysis. Since supporting evidence is limited at this time, the clinical significance of this alteration remains unclear.